The following is an entry in ClinVar:

ClinVar aggregate classification (germline): Pathogenic. Review status: criteria provided, multiple submitters, no conflicts (2 of 4 stars). 2 submissions from 2 submitters: Pathogenic (2). Last evaluated 2023-08-20.

Conditions:
VPS13A-related neurodegenerative disease. Also called: Choreoacanthocytosis; Chorea-acanthocytosis; Choreaacanthocytosis; VPS13A Disease; ACANTHOCYTOSIS WITH NEUROLOGIC DISORDER; LEVINE-CRITCHLEY SYNDROME. Identifiers: Orphanet 2388, MedGen C0393576, MONDO:0008695, OMIM 200150.

Submissions (2):

Myriad Genetics, Inc.
Classification: Pathogenic for VPS13A-related neurodegenerative disease. Last evaluated: 2023-08-20. Review status: criteria provided, single submitter. Criteria: Myriad Autosomal Dominant, Autosomal Recessive and X-Linked Classification Criteria (2023). Collection method: clinical testing. Allele origin: unknown.
Comment: NM_033305.2(VPS13A):c.1095T>G(Y365*) is expected to be pathogenic in the context of VPS13A disease. This variant is predicted to lead to an abnormal or absent protein product due to the creation of a premature termination codon in VPS13A, a gene where loss-of-function variants are known to be pathogenic. Please note: this variant was assessed in the context of healthy population screening.

Labcorp Genetics (formerly Invitae), Labcorp
Classification: Pathogenic. Last evaluated: 2022-04-26. Review status: criteria provided, single submitter. Criteria: Invitae Variant Classification Sherloc (09022015). Collection method: clinical testing. Allele origin: germline.
Comment: For these reasons, this variant has been classified as Pathogenic. This variant has not been reported in the literature in individuals affected with VPS13A-related conditions. This variant is not present in population databases (gnomAD no frequency). This sequence change creates a premature translational stop signal (p.Tyr365*) in the VPS13A gene. It is expected to result in an absent or disrupted protein product. Loss-of-function variants in VPS13A are known to be pathogenic (PMID: 12404112, 21598378).

Literature cited by the submitters: PubMed 12404112 (cited by Labcorp Genetics (formerly Invitae), Labcorp); PubMed 21598378 (cited by Labcorp Genetics (formerly Invitae), Labcorp).

NM_033305.3(VPS13A):c.1095T>G (p.Tyr365Ter)

Gene: VPS13A (vacuolar protein sorting 13 homolog A; plus strand). Cytogenetic location: 9q21.2.
Variant type: single nucleotide variant.
Coding change: c.1095T>G on transcript NM_033305.3 (MANE Select); coding-DNA position 1095, T replaced by G.
Protein change: p.Tyr365Ter; replaces tyrosine 365 with a stop codon.
Molecular consequence: nonsense.
Genome position (GRCh38, 1-based): chr9:77,221,290, T>G. VCF-style: chr9-77221290-T-G. GRCh37 (hg19) VCF-style: chr9-79836206-T-G.
Other names: c.1095T>G, p.Tyr365Ter (NM_001018038.3, NM_015186.4, NM_001018037.2); short protein forms Y365*.
Identifiers: ClinVar variation 1401475 (VCV001401475.7), dbSNP rs2131179937, ClinGen allele CA373844008.
Genomic context (GRCh38, chr9:77,221,290, plus strand): 5'-CAGGTTATGGATGTGGTCATGGAAGCATATTAGAAAACATAGGCAAAAAGTGAAGCAATA[T>G]AAAGAACTGTATAAAAAAAAGTTAACAAGTAAGAAGCCACCTGGTGAACTTCTCGTGTCT-3'